The following is an entry in ClinVar:

NM_006005.3(WFS1):c.2340C>A (p.Gly780=)

Gene: WFS1 (wolframin ER transmembrane glycoprotein; plus strand). Cytogenetic location: 4p16.1.
Variant type: single nucleotide variant.
Coding change: c.2340C>A on transcript NM_006005.3 (MANE Select); coding-DNA position 2340, C replaced by A.
Protein change: p.Gly780=; no amino-acid change (glycine 780 retained).
Molecular consequence: synonymous variant.
Genome position (GRCh38, 1-based): chr4:6,302,135, C>A. VCF-style: chr4-6302135-C-A. GRCh37 (hg19) VCF-style: chr4-6303862-C-A.
Other names: c.2340C>A, p.Gly780= (NM_001145853.1).
Identifiers: ClinVar variation 349325 (VCV000349325.6), dbSNP rs886059531, ClinGen allele CA10619010.
Genomic context (GRCh38, chr4:6,302,135, plus strand): 5'-GGCCAAGCACCCCTGCCACATCAAGAAGTTCGACCGCTACAAGTTTGAGATTACCGTGGG[C>A]ATGCCATTCAGCAGCGGCGCTGACGGCTCGCGCAGCCGCGAGGAGGACGACGTCACCAAG-3'
Protein context (NP_005996.2, residues 770-790): FDRYKFEITV[Gly780=]MPFSSGADGS

ClinVar aggregate classification (germline): Conflicting classifications of pathogenicity. Review status: criteria provided, conflicting classifications (1 of 4 stars). 3 submissions from 2 submitters: Uncertain significance (2); Benign (1). Last evaluated 2018-01-13.

Conditions:
Autosomal dominant nonsyndromic hearing loss 6 (LFSNHL). Also called: DEAFNESS, AUTOSOMAL DOMINANT 6; DEAFNESS, AUTOSOMAL DOMINANT 14; DEAFNESS, AUTOSOMAL DOMINANT 38; Autosomal dominant nonsyndromic deafness 6; DIDMOAD (Diabetes Insipidus, Diabetes Mellitus, Optic Atrophy, and Deafness). Identifiers: Orphanet 90635, MedGen C1833021, MONDO:0010963, OMIM 600965.
WFS1-Related Spectrum Disorders.
Wolfram syndrome 1 (WFS1). Identifiers: Orphanet 3463, MedGen C4551693, MONDO:0009101, OMIM 222300.

Submissions (3):

Illumina Laboratory Services, Illumina
Classification: Uncertain significance for WFS1-Related Spectrum Disorders. Last evaluated: 2018-01-13. Review status: criteria provided, single submitter. Criteria: ICSL Variant Classification Criteria 13 December 2019. Collection method: clinical testing. Allele origin: germline.

Illumina Laboratory Services, Illumina
Classification: Uncertain significance for Autosomal dominant nonsyndromic hearing loss 6. Last evaluated: 2018-01-13. Review status: criteria provided, single submitter. Criteria: ICSL Variant Classification Criteria 13 December 2019. Collection method: clinical testing. Allele origin: germline.

Clinical Genomics, Uppaluri K&H Personalized Medicine Clinic
Classification: Benign for Wolfram syndrome 1. Review status: criteria provided, single submitter. Criteria: K & H Uppaluri Personalized Medicine Clinic Variant Classification & Assertion Criteria_Updated V.1. Collection method: research. Allele origin: unknown. Inheritance: Autosomal recessive inheritance.
Comment: Potent mutations in WFS1 gene are associated with Wolfram's syndrome, an autosomal recessive condition, which cause diabetes mellitus, diabetes insipidus, deafness and optic atrophy. However no sufficient evidence is found to ascertain the role of this particular variant rs886059531 in Wolfram's syndrome yet.

Literature cited by the submitters: PubMed 20738327 (cited by Clinical Genomics, Uppaluri K&H Personalized Medicine Clinic); PubMed 33879153 (cited by Clinical Genomics, Uppaluri K&H Personalized Medicine Clinic); PubMed 12955714 (cited by Clinical Genomics, Uppaluri K&H Personalized Medicine Clinic); PubMed 18060660 (cited by Clinical Genomics, Uppaluri K&H Personalized Medicine Clinic); PubMed 20301750 (cited by Clinical Genomics, Uppaluri K&H Personalized Medicine Clinic); PubMed 17603484 (cited by Clinical Genomics, Uppaluri K&H Personalized Medicine Clinic).